The following is an entry in ClinVar:

NM_000138.5(FBN1):c.7041G>A (p.Met2347Ile)

Gene: FBN1 (fibrillin 1; minus strand). Cytogenetic location: 15q21.1.
Variant type: single nucleotide variant.
Coding change: c.7041G>A on transcript NM_000138.5 (MANE Select); coding-DNA position 7041, G replaced by A.
Protein change: p.Met2347Ile; replaces methionine 2347 with isoleucine.
Molecular consequence: missense variant.
Genome position (GRCh38, 1-based): chr15:48,427,730, C>T on the plus strand (G>A on the coding strand, the complement: FBN1 is on the minus strand). VCF-style: chr15-48427730-C-T. GRCh37 (hg19) VCF-style: chr15-48719927-C-T.
Other names: c.7041G>A, p.Met2347Ile (NM_001406716.1); short protein forms M2347I.
Identifiers: ClinVar variation 3074329 (VCV003074329.1), dbSNP rs2505412691, ClinGen allele CA392330271.
Genomic context (GRCh38, chr15:48,427,730, plus strand): 5'-TCCGTCACAGCAGCATTCCGATTTGGTGACGGGGTTCCTGTTGCTGGAGCCGATCTGACA[C>T]ATGTTTTGTAGCACCTCTGTGAAGCAGTACCCTTCCCGATTGTCTGGAAGGGACATTATA-3'
Protein context (NP_000129.3, residues 2337-2357): GYCFTEVLQN[Met2347Ile]CQIGSSNRNP

ClinVar aggregate classification (germline): Uncertain significance (1 of 4 stars; one submission).

Conditions:
Marfan syndrome (MFS). Also called: MARFAN SYNDROME, TYPE I; Marfan syndrome type 1; Marfan's syndrome; Marfan syndrome, classic; FBN1-Related Marfan Syndrome. Identifiers: Orphanet 284963, Orphanet 558, MedGen C0024796, MONDO:0007947, OMIM 154700.

Allele frequency attached by ClinVar (database versions not stated): gnomAD exomes below 0.00001.
gnomAD v4.1: 1 of 1,614,084 alleles (0.000062%); highest among the groups gnomAD compares: Non-Finnish European, 0.000085%; no homozygotes.

Submission:

All of Us Research Program, National Institutes of Health
Classification: Uncertain significance for Marfan syndrome. Last evaluated: 2023-11-02. Review status: criteria provided, single submitter. Criteria: ACMG Guidelines, 2015. Collection method: clinical testing. Allele origin: germline. Inheritance: Autosomal dominant inheritance. Observed: 1 variant allele, 1 heterozygote.
Comment: This missense variant replaces methionine with isoleucine at codon 2347 of the FBN1 protein. Computational prediction suggests that this variant may not impact protein structure and function (internally defined REVEL score threshold <= 0.5, PMID: 27666373). To our knowledge, functional studies have not been reported for this variant. This variant has not been reported in individuals affected with FBN1-related disorders in the literature. This variant has not been identified in the general population by the Genome Aggregation Database (gnomAD). The available evidence is insufficient to determine the role of this variant in disease conclusively. Therefore, this variant is classified as a Variant of Uncertain Significance.

This study involves interpretation of variants in research participants for the purpose of population health screening. Participant phenotype was not available at the time of variant classification. Additional details can be found in publication PMID: 35346344, PMCID: PMC8962531